The following is an entry in ClinVar:

ClinVar aggregate classification (germline): Uncertain significance (1 of 4 stars; one submission).

Submission:

Labcorp Genetics (formerly Invitae), Labcorp
Classification: Uncertain significance. Last evaluated: 2025-04-28. Review status: criteria provided, single submitter. Criteria: Invitae Variant Classification Sherloc (09022015). Collection method: clinical testing. Allele origin: germline.
Comment: This sequence change replaces glycine, which is neutral and non-polar, with arginine, which is basic and polar, at codon 135 of the HK1 protein (p.Gly135Arg). This variant is not present in population databases (gnomAD no frequency). This variant has not been reported in the literature in individuals affected with HK1-related conditions. ClinVar contains an entry for this variant (Variation ID: 966357). Invitae Evidence Modeling of protein sequence and biophysical properties (such as structural, functional, and spatial information, amino acid conservation, physicochemical variation, residue mobility, and thermodynamic stability) indicates that this missense variant is not expected to disrupt HK1 protein function with a negative predictive value of 80%. In summary, the available evidence is currently insufficient to determine the role of this variant in disease. Therefore, it has been classified as a Variant of Uncertain Significance.

NM_000188.3(HK1):c.403G>C (p.Gly135Arg)

Gene: HK1 (hexokinase 1; plus strand). Cytogenetic location: 10q22.1.
Variant type: single nucleotide variant.
Coding change: c.403G>C on transcript NM_000188.3 (MANE Select); coding-DNA position 403, G replaced by C.
Protein change: p.Gly135Arg; replaces glycine 135 with arginine.
Molecular consequence: missense variant.
Genome position (GRCh38, 1-based): chr10:69,364,810, G>C. VCF-style: chr10-69364810-G-C. GRCh37 (hg19) VCF-style: chr10-71124566-G-C.
Other names: c.415G>C, p.Gly139Arg (NM_001322364.2, NM_001358263.1, NM_033497.3 and 1 more transcripts); c.508G>C, p.Gly170Arg (NM_001322365.2); c.319G>C, p.Gly107Arg (NM_001322366.1); c.403G>C, p.Gly135Arg (NM_001322367.1); c.400G>C, p.Gly134Arg (NM_033496.3); c.367G>C, p.Gly123Arg (NM_033500.2); short protein forms G107R, G134R, G170R, G123R, G139R, G135R.
Identifiers: ClinVar variation 966357 (VCV000966357.9), dbSNP rs1849614384, ClinGen allele CA376912186.